The following is an entry in ClinVar:

NM_000719.7(CACNA1C):c.2327A>G (p.Lys776Arg)

Gene: CACNA1C (calcium voltage-gated channel subunit alpha1 C; plus strand). Cytogenetic location: 12p13.33.
Variant type: single nucleotide variant.
Coding change: c.2327A>G on transcript NM_000719.7 (MANE Select); coding-DNA position 2327, A replaced by G.
Protein change: p.Lys776Arg; replaces lysine 776 with arginine.
Molecular consequence: missense variant.
Genome position (GRCh38, 1-based): chr12:2,584,605, A>G. VCF-style: chr12-2584605-A-G. GRCh37 (hg19) VCF-style: chr12-2693771-A-G.
Other names: p.K776R:AAG>AGG; c.2327A>G, p.Lys776Arg (NM_001129827.2, NM_001129829.2, NM_001129830.3 and 18 more transcripts); c.2318A>G, p.Lys773Arg (NM_001129844.2); short protein forms K776R, K773R.
Identifiers: ClinVar variation 190649 (VCV000190649.11), dbSNP rs786205751, ClinGen allele CA301364.

ClinVar aggregate classification (germline): Uncertain significance. Review status: criteria provided, multiple submitters, no conflicts (2 of 4 stars). 4 submissions from 4 submitters: Uncertain significance (4). Last evaluated 2026-06-02.

Conditions:
CACNA1C-related disorder. Also called: CACNA1C-related disorders; CACNA1C-related condition. Identifiers: MedGen CN381092, MONDO:0700321.
Cardiovascular phenotype. Identifiers: MedGen CN230736.
Long QT syndrome (LQTS). Identifiers: MedGen C0023976, MeSH D008133, MONDO:0002442. Disease mechanism: loss of function. Inheritance: Various modes of inheritance.

Allele frequency attached by ClinVar (database versions not stated): TOPMed 0.00004; gnomAD exomes 0.00001; gnomAD 0.00004.
gnomAD v4.1: 21 of 1,612,026 alleles (0.0013%); highest among the groups gnomAD compares: Non-Finnish European, 0.0017%; no homozygotes.

Submissions (4):

PreventionGenetics, part of Exact Sciences
Classification: Uncertain significance for CACNA1C-related condition. Last evaluated: 2026-06-02. Review status: criteria provided, single submitter. Criteria: ACMG Guidelines, 2015. Collection method: clinical testing. Allele origin: germline.
Comment: The CACNA1C c.2327A>G variant is predicted to result in the amino acid substitution p.Lys776Arg. To our knowledge, this variant has not been reported in the literature. This variant is reported in 0.0018% of alleles in individuals of European (Non-Finnish) descent in gnomAD. At this time, the clinical significance of this variant is uncertain due to the absence of conclusive functional and genetic evidence.

Ambry Genetics
Classification: Uncertain significance for Cardiovascular phenotype. Last evaluated: 2024-11-25. Review status: criteria provided, single submitter. Criteria: Ambry Variant Classification Scheme 2023. Collection method: clinical testing. Allele origin: germline.
Comment: The p.K776R variant (also known as c.2327A>G), located in coding exon 16 of the CACNA1C gene, results from an A to G substitution at nucleotide position 2327. The lysine at codon 776 is replaced by arginine, an amino acid with highly similar properties. This amino acid position is highly conserved in available vertebrate species. In addition, the in silico prediction for this alteration is inconclusive. According to data from gnomAD, the frequency for this variant is above the maximum credible frequency for a cardiac disease-causing variant in this gene based on internally established thresholds (Karczewski et al.Nature. 2020 May;581(7809):434-443; Whiffin et al.Genet Med. 2017 10;19:1151-1158). Based on the supporting evidence, the association of this alteration withCACNA1C-related neurodevelopmental disorderis unknown; however, the association withTimothy syndrome or Long QT syndrome without extracardiac findingsis unlikely.

Labcorp Genetics (formerly Invitae), Labcorp
Classification: Uncertain significance for Long QT syndrome. Last evaluated: 2022-10-14. Review status: criteria provided, single submitter. Criteria: Invitae Variant Classification Sherloc (09022015). Collection method: clinical testing. Allele origin: germline.
Comment: This sequence change replaces lysine, which is basic and polar, with arginine, which is basic and polar, at codon 776 of the CACNA1C protein (p.Lys776Arg). This variant is present in population databases (rs786205751, gnomAD 0.002%). This variant has not been reported in the literature in individuals affected with CACNA1C-related conditions. ClinVar contains an entry for this variant (Variation ID: 190649). Advanced modeling of protein sequence and biophysical properties (such as structural, functional, and spatial information, amino acid conservation, physicochemical variation, residue mobility, and thermodynamic stability) performed at Invitae indicates that this missense variant is not expected to disrupt CACNA1C protein function. In summary, the available evidence is currently insufficient to determine the role of this variant in disease. Therefore, it has been classified as a Variant of Uncertain Significance.

GeneDx
Classification: Uncertain significance. Last evaluated: 2021-02-08. Review status: criteria provided, single submitter. Criteria: GeneDx Variant Classification Process June 2021. Collection method: clinical testing. Allele origin: germline. Affected: yes.
Comment: Not observed at a significant frequency in large population cohorts (Lek et al., 2016); In silico analysis supports that this missense variant does not alter protein structure/function; Has not been previously published as pathogenic or benign to our knowledge